The following is an entry in ClinVar:

NM_005431.2(XRCC2):c.271C>T (p.Arg91Trp)

Gene: XRCC2 (X-ray repair cross complementing 2; minus strand). Cytogenetic location: 7q36.1.
Variant type: single nucleotide variant.
Coding change: c.271C>T on transcript NM_005431.2 (MANE Select); coding-DNA position 271, C replaced by T.
Protein change: p.Arg91Trp; replaces arginine 91 with tryptophan.
Molecular consequence: missense variant.
Genome position (GRCh38, 1-based): chr7:152,649,214, G>A on the plus strand (C>T on the coding strand, the complement: XRCC2 is on the minus strand). VCF-style: chr7-152649214-G-A. GRCh37 (hg19) VCF-style: chr7-152346299-G-A.
Other names: p.R91W:CGG>TGG; short protein forms R91W.
Identifiers: ClinVar variation 182994 (VCV000182994.21), dbSNP rs730882043, ClinGen allele CA300471.

ClinVar aggregate classification (germline): Uncertain significance. Review status: criteria provided, multiple submitters, no conflicts (2 of 4 stars). 6 submissions from 6 submitters: Uncertain significance (5). 1 of the submissions does not count toward it. Last evaluated 2025-07-30.

Conditions:
Fanconi anemia complementation group U. Identifiers: MedGen C4310651, MONDO:0014987, OMIM 617247.
Hereditary cancer-predisposing syndrome. Also called: Tumor predisposition; Hereditary Cancer Syndrome; Hereditary neoplastic syndrome; Neoplastic Syndromes, Hereditary. Identifiers: Orphanet 140162, MedGen C0027672, MeSH D009386, MONDO:0015356.

Allele frequency attached by ClinVar (database versions not stated): gnomAD exomes below 0.00001 and 0.00002; ExAC 0.00001; TOPMed 0.00002; gnomAD 0.00003 and 0.00004.
gnomAD v4.1: 37 of 1,613,676 alleles (0.0023%); highest among the groups gnomAD compares: Non-Finnish European, 0.0025%; no homozygotes.

Submissions (6):

Labcorp Genetics (formerly Invitae), Labcorp
Classification: Uncertain significance. Last evaluated: 2025-07-30. Review status: criteria provided, single submitter. Criteria: Invitae Variant Classification Sherloc (09022015). Collection method: clinical testing. Allele origin: germline.
Comment: This sequence change replaces arginine, which is basic and polar, with tryptophan, which is neutral and slightly polar, at codon 91 of the XRCC2 protein (p.Arg91Trp). The frequency data for this variant in the population databases is considered unreliable, as metrics indicate poor data quality at this position in the gnomAD database. This missense change has been observed in individual(s) with breast cancer (PMID: 22464251). ClinVar contains an entry for this variant (Variation ID: 182994). Invitae Evidence Modeling of protein sequence and biophysical properties (such as structural, functional, and spatial information, amino acid conservation, physicochemical variation, residue mobility, and thermodynamic stability) indicates that this missense variant is expected to disrupt XRCC2 protein function with a positive predictive value of 80%. Experimental studies are conflicting or provide insufficient evidence to determine the effect of this variant on XRCC2 function (PMID: 27233470). In summary, the available evidence is currently insufficient to determine the role of this variant in disease. Therefore, it has been classified as a Variant of Uncertain Significance.

Ambry Genetics
Classification: Uncertain significance for Hereditary cancer-predisposing syndrome. Last evaluated: 2024-05-03. Review status: criteria provided, single submitter. Criteria: Ambry Variant Classification Scheme 2023. Collection method: clinical testing. Allele origin: germline.
Comment: The p.R91W variant (also known as c.271C>T), located in coding exon 3 of the XRCC2 gene, results from a C to T substitution at nucleotide position 271. The arginine at codon 91 is replaced by tryptophan, an amino acid with dissimilar properties. This alteration has been reported in two Caucasian families with a significant history of breast cancer (Park DJ et al. Am. J. Hum. Genet. 2012 Apr;90:734-9; Hilbers FS et al. PLoS One, 2013 Jan;8:e55734). This alteration was also shown to have a moderate ability to restore XRCC2-DNA repair deficient phenotypes based on its performance in two out of three complementation assays (Hilbers FS et al. Hum. Mutat. 2016 09;37(9):914-25). Additionally, this alteration has been reported in at least one breast cancer patient in a study of 13087 breast cancer cases and 5488 control individuals in the UK (Decker B et al. J Med Genet, 2017 11;54:732-741). This amino acid position is highly conserved in available vertebrate species. In addition, this alteration is predicted to be deleterious by in silico analysis. Since supporting evidence is limited at this time, the clinical significance of this alteration remains unclear.

Quest Diagnostics Nichols Institute San Juan Capistrano
Classification: Uncertain significance. Last evaluated: 2023-02-22. Review status: criteria provided, single submitter. Criteria: Quest Diagnostics criteria. Collection method: clinical testing. Allele origin: unknown.
Comment: The frequency of this variant in the general population, 0.0000071 (2/282478 chromosomes), is uninformative in assessment of its pathogenicity. In the published literature, the variant has been reported in a family with breast cancer (PMID: 22464251 (2012)). A functional study showed that the variant has a moderate effect on XRCC2 function (PMID: 27233470 (2016)). Analysis of this variant using bioinformatics tools for the prediction of the effect of amino acid changes on protein structure and function yielded predictions that this variant is damaging. Based on the available information, we are unable to determine the clinical significance of this variant.

Baylor Genetics
Classification: Uncertain significance for Fanconi anemia complementation group U. Last evaluated: 2020-06-03. Review status: criteria provided, single submitter. Criteria: ACMG Guidelines, 2015. Collection method: clinical testing. Allele origin: unknown. Affected: yes.
Comment: This variant was determined to be of uncertain significance according to ACMG Guidelines, 2015 [PMID:25741868].

GeneDx
Classification: Uncertain significance. Last evaluated: 2016-10-31. Review status: criteria provided, single submitter. Criteria: GeneDx Variant Classification (06012015). Collection method: clinical testing. Allele origin: germline. Affected: yes.
Comment: This variant is denoted XRCC2 c.271C>T at the cDNA level, p.Arg91Trp (R91W) at the protein level, and results in the change of an Arginine to a Tryptophan (CGG>TGG). This variant has been observed in breast cancer families; however, in one family it did not completely segregate with cancer (Park 2012). This variant was observed in a homologous repair assay to have a moderate effect on XRCC2 function and only partially rescued RAD51 foci formation (Hilbers 2016). XRCC2 Arg91Trp was not observed in approximately 6,500 individuals of European and African American ancestry in the NHLBI Exome Sequencing Project, suggesting it is not a common benign variant in these populations. Since Arginine and Tryptophan differ in polarity, charge, size or other properties, this is considered a non-conservative amino acid substitution. XRCC2 Arg91Trp occurs at a position that is conserved across species and is not located in a known functional domain (O'Regan 2001, Miller 2004). In silico analyses predict that this variant is probably damaging to protein structure and function. Based on currently available information, it is unclear whether XRCC2 Arg91Trp is pathogenic or benign. We consider it to be a variant of uncertain significance.

Leiden Open Variation Database
Classification: Uncertain significance. Last evaluated: 2012-05-02. Review status: no assertion criteria provided. Collection method: curation. Allele origin: germline. Affected: yes. Not counted in ClinVar's aggregate classification.
Comment: Curator: Arleen D. Auerbach. Submitter to LOVD: Johan den Dunnen.

Literature cited by the submitters: PubMed 22464251 (cited by 3 submitters); PubMed 27233470 (cited by Labcorp Genetics (formerly Invitae), Labcorp and Quest Diagnostics Nichols Institute San Juan Capistrano); PubMed 23383274 (cited by Ambry Genetics and Quest Diagnostics Nichols Institute San Juan Capistrano); PubMed 26787654 (cited by Ambry Genetics and Quest Diagnostics Nichols Institute San Juan Capistrano); PubMed 28779002 (cited by Ambry Genetics and Quest Diagnostics Nichols Institute San Juan Capistrano).